The following is an entry in ClinVar:

ClinVar aggregate classification (germline): Pathogenic (1 of 4 stars; one submission).

Conditions:
Long QT syndrome (LQTS). Identifiers: MedGen C0023976, MeSH D008133, MONDO:0002442. Disease mechanism: loss of function. Inheritance: Various modes of inheritance.

Submission:

Labcorp Genetics (formerly Invitae), Labcorp
Classification: Pathogenic for Long QT syndrome. Last evaluated: 2021-10-28. Review status: criteria provided, single submitter. Criteria: Invitae Variant Classification Sherloc (09022015). Collection method: clinical testing. Allele origin: germline.
Comment: This sequence change creates a premature translational stop signal (p.Gly71Leufs*79) in the KCNH2 gene. It is expected to result in an absent or disrupted protein product. Loss-of-function variants in KCNH2 are known to be pathogenic (PMID: 10973849, 19862833). This variant is not present in population databases (gnomAD no frequency). This variant has not been reported in the literature in individuals affected with KCNH2-related conditions. For these reasons, this variant has been classified as Pathogenic.

Literature cited by the submitters: PubMed 10973849; PubMed 19862833.

NM_000238.4(KCNH2):c.195_210dup (p.Gly71fs)

Gene: KCNH2 (potassium voltage-gated channel subfamily H member 2; minus strand). Cytogenetic location: 7q36.1.
Variant type: Duplication.
Coding change: c.195_210dup on transcript NM_000238.4 (MANE Select); coding-DNA positions 195 to 210, 16 bases duplicated (CTGCGACTTCCTGCAC).
Protein change: p.Gly71fs; shifts the reading frame from glycine 71.
Molecular consequence: frameshift variant.
Genome position (GRCh38, 1-based): chr7:150,974,808-150,974,823, GTGCAGGAAGTCGCAG duplicated on the plus strand (CTGCGACTTCCTGCAC on the coding strand, the reverse complement: KCNH2 is on the minus strand); duplicating any 16 consecutive bases within chr7:150,974,808-150,974,830 gives the same sequence; the c. name uses the placement nearest the transcript's 3' end. VCF-style (leftmost placement, unchanged base first): chr7-150974807-C-CGTGCAGGAAGTCGCAG. GRCh37 (hg19) VCF-style: chr7-150671895-C-CGTGCAGGAAGTCGCAG.
Other names: c.11_26dup, p.Gly12Leufs (NM_001406755.1); c.188_203dup, p.Gly71Leufs (NM_172056.3); short protein forms G71fs.
Identifiers: ClinVar variation 1456173 (VCV001456173.8), dbSNP rs2117062966, ClinGen allele CA2573141818.